The following is an entry in ClinVar:

ClinVar aggregate classification (germline): Likely benign. Review status: criteria provided, multiple submitters, no conflicts (2 of 4 stars). 2 submissions from 2 submitters: Likely benign (2). Last evaluated 2025-01-09.

Conditions:
Familial cancer of breast. Also called: BREAST CANCER, FAMILIAL; Hereditary breast cancer; hereditary breast carcinoma. Identifiers: Orphanet 227535, MedGen C0346153, MONDO:0016419, OMIM 114480. Disease mechanism: loss of function.
Hereditary cancer-predisposing syndrome. Also called: Neoplastic Syndromes, Hereditary; Tumor predisposition; Hereditary neoplastic syndrome; Hereditary Cancer Syndrome. Identifiers: Orphanet 140162, MedGen C0027672, MeSH D009386, MONDO:0015356.

Submissions (2):

Myriad Genetics, Inc.
Classification: Likely benign for Familial cancer of breast. Last evaluated: 2025-01-09. Review status: criteria provided, single submitter. Criteria: Myriad Autosomal Dominant, Autosomal Recessive and X-Linked Classification Criteria (2023). Collection method: clinical testing. Allele origin: unknown.
Comment: This variant is considered likely benign. This variant is intronic and is not expected to impact mRNA splicing.

Color Diagnostics, LLC DBA Color Health
Classification: Likely benign for Hereditary cancer-predisposing syndrome. Last evaluated: 2018-09-05. Review status: criteria provided, single submitter. Criteria: ACMG Guidelines, 2015. Collection method: clinical testing. Allele origin: germline.

NM_024675.4(PALB2):c.49-18G>C

Gene: PALB2 (partner and localizer of BRCA2; minus strand). Cytogenetic location: 16p12.2.
Variant type: single nucleotide variant.
Coding change: c.49-18G>C on transcript NM_024675.4 (MANE Select); 18 bases into the intron before coding-DNA position 49, G replaced by C.
Molecular consequence: intron variant.
Genome position (GRCh38, 1-based): chr16:23,638,147, C>G on the plus strand (G>C on the coding strand, the complement: PALB2 is on the minus strand). VCF-style: chr16-23638147-C-G. GRCh37 (hg19) VCF-style: chr16-23649468-C-G.
Identifiers: ClinVar variation 629177 (VCV000629177.3), dbSNP rs1567224246, ClinGen allele CA913188751.